The following is an entry in ClinVar:

NM_144997.7(FLCN):c.1597C>T (p.Gln533Ter)

Gene: FLCN (folliculin; minus strand). Cytogenetic location: 17p11.2.
Variant type: single nucleotide variant.
Coding change: c.1597C>T on transcript NM_144997.7 (MANE Select); coding-DNA position 1597, C replaced by T.
Protein change: p.Gln533Ter; replaces glutamine 533 with a stop codon.
Molecular consequence: nonsense.
Genome position (GRCh38, 1-based): chr17:17,213,798, G>A on the plus strand (C>T on the coding strand, the complement: FLCN is on the minus strand). VCF-style: chr17-17213798-G-A. GRCh37 (hg19) VCF-style: chr17-17117112-G-A.
Other names: c.1597C>T, p.Gln533* (LRG_325t1); c.1651C>T, p.Gln551Ter (NM_001353229.2); c.1597C>T, p.Gln533Ter (NM_001353230.2, NM_001353231.2); c.1597C>T (NM_144997.6); short protein forms Q533*, Q551*.
Identifiers: ClinVar variation 96480 (VCV000096480.20), dbSNP rs398124532, ClinGen allele CA224163.

ClinVar aggregate classification (germline): Conflicting classifications of pathogenicity. Review status: criteria provided, conflicting classifications (1 of 4 stars). 7 submissions from 7 submitters: Pathogenic (5); Likely pathogenic (1); Uncertain significance (1). Last evaluated 2025-01-09.

Conditions:
Birt-Hogg-Dube syndrome 1 (BHD1). Also called: FIBROFOLLICULOMAS WITH TRICHODISCOMAS AND ACROCHORDONS. Identifiers: Orphanet 122, MedGen CN375946, MONDO:0800445, OMIM 135150.
Hereditary cancer-predisposing syndrome. Also called: Hereditary Cancer Syndrome; Neoplastic Syndromes, Hereditary; Hereditary neoplastic syndrome; Tumor predisposition. Identifiers: Orphanet 140162, MedGen C0027672, MeSH D009386, MONDO:0015356.
Birt-Hogg-Dube syndrome. Also called: Birt Hogg Dubé syndrome. Identifiers: Orphanet 122, MedGen C0346010, MONDO:0800444.

Submissions (7):

GeneDx
Classification: Pathogenic. Last evaluated: 2025-01-09. Review status: criteria provided, single submitter. Criteria: GeneDx Variant Classification Process June 2021. Collection method: clinical testing. Allele origin: germline. Affected: yes.
Comment: Nonsense variant predicted to result in protein truncation or nonsense mediated decay in a gene for which loss of function is a known mechanism of disease; Not observed at significant frequency in large population cohorts (gnomAD); This variant is associated with the following publications: (PMID: 19802896, 21937013, 31625278, 31615547, 17028174)

Women's Health and Genetics/Laboratory Corporation of America, LabCorp
Classification: Pathogenic for Birt-Hogg-Dube syndrome. Last evaluated: 2024-12-10. Review status: criteria provided, single submitter. Criteria: LabCorp Variant Classification Summary - May 2015. Collection method: clinical testing. Allele origin: germline.
Comment: Variant summary: FLCN c.1597C>T (p.Gln533X) results in a premature termination codon, predicted to cause a truncation of the encoded protein, though it is not expected to cause nonsense mediated decay. The variant was absent in 251496 control chromosomes (gnomAD). c.1597C>T has been reported in the literature in individuals affected with Birt-Hogg-Dube Syndrome (Lim_2010, Liu_2019, internal testing). These data indicate that the variant is likely to be associated with disease. The following publications have been ascertained in the context of this evaluation (PMID: 19802896, 31615547). ClinVar contains an entry for this variant (Variation ID: 96480). Based on the evidence outlined above, the variant was classified as pathogenic.

Labcorp Genetics (formerly Invitae), Labcorp
Classification: Pathogenic for Birt-Hogg-Dube syndrome. Last evaluated: 2024-10-09. Review status: criteria provided, single submitter. Criteria: Invitae Variant Classification Sherloc (09022015). Collection method: clinical testing. Allele origin: germline.
Comment: This sequence change creates a premature translational stop signal (p.Gln533*) in the FLCN gene. While this is not anticipated to result in nonsense mediated decay, it is expected to disrupt the last 47 amino acid(s) of the FLCN protein. This variant is not present in population databases (gnomAD no frequency). This premature translational stop signal has been observed in individuals with clinical features of Birt-Hogg-Dubé syndrome (internal data). ClinVar contains an entry for this variant (Variation ID: 96480). This variant disrupts a region of the FLCN protein in which other variant(s) (p.Trp553Arg) have been determined to be pathogenic (external communications, internal data). This suggests that this is a clinically significant region of the protein, and that variants that disrupt it are likely to be disease-causing. For these reasons, this variant has been classified as Pathogenic.

Myriad Genetics, Inc.
Classification: Pathogenic for Birt-Hogg-Dube syndrome 1. Last evaluated: 2023-12-12. Review status: criteria provided, single submitter. Criteria: Myriad Autosomal Dominant, Autosomal Recessive and X-Linked Classification Criteria (2023). Collection method: clinical testing. Allele origin: unknown.
Comment: This variant is considered pathogenic. This variant creates a termination codon and is predicted to result in premature protein truncation.

Quest Diagnostics Nichols Institute San Juan Capistrano
Classification: Likely pathogenic. Last evaluated: 2023-05-31. Review status: criteria provided, single submitter. Criteria: Quest Diagnostics criteria. Collection method: clinical testing. Allele origin: unknown.
Comment: The FLCN c.1597C>T (p.Gln533*) variant is predicted to cause the premature termination of FLCN protein synthesis. This variant has been reported in the published literature in an individual with Birt-Hogg-Dube (BHD) syndrome (PMIDs: 21937013 (2012), 19802896 (2010)). This variant has not been reported in large, multi-ethnic general populations (Genome Aggregation Database). Based on the available information, this variant is classified as likely pathogenic.

Ambry Genetics
Classification: Uncertain significance for Hereditary cancer-predisposing syndrome. Last evaluated: 2016-03-31. Review status: criteria provided, single submitter. Criteria: Ambry Variant Classification Scheme 2023. Collection method: clinical testing. Allele origin: germline.
Comment: The p.Q533* variant (also known as c.1597C>T), located in coding exon 11 of the FLCN gene, results from a C to T substitution at nucleotide position 1597. This changes the amino acid from a glutamine to a stop codon within coding exon 11. This alteration occurs in the last coding exon of the FLCN gene, so while it is truncating, the mRNA may escape nonsense mediated decay (NMD). Premature termination codons located either in the last exon or within 50-55 nucleotides upstream of the 3'-most exon-exon junction usually fail to elicit NMD (Maquat LE et al. Nat. Rev. Mol. Cell Biol. 2004 Feb; 5(2):89-99). This alteration has been reported in individuals the literature however clinical phenotypes and/or functional evidence was not available (Lim DH et al. Hum. Mutat. 2010 Jan;31(1):E1043-51; L&oacute;pez V et al. Actas Dermosifiliogr 2012 Apr;103(3):198-206). This variant was not reported in population based cohorts in the following databases: Database of Single Nucleotide Polymorphisms (dbSNP), NHLBI Exome Sequencing Project (ESP), and 1000 Genomes Project. In the ESP, this variant was not observed in 6503 samples (13006 alleles) with coverage at this position. This amino acid position is highly conserved in available vertebrate species.Since supporting evidence is limited at this time, the clinical significance of this alteration remains unclear.

Eurofins Ntd Llc (ga)
Classification: Pathogenic. Last evaluated: 2013-01-25. Review status: criteria provided, single submitter. Criteria: EGL Classification Definitions 2015. Collection method: clinical testing. Allele origin: germline. Observed: 1 variant allele, 1 heterozygote.

Literature cited by the submitters: PubMed 19802896 (cited by 3 submitters); PubMed 31615547 (cited by Women's Health and Genetics/Laboratory Corporation of America, LabCorp); PubMed 21937013 (cited by Quest Diagnostics Nichols Institute San Juan Capistrano and Ambry Genetics).